The following is an entry in ClinVar:

ClinVar aggregate classification (germline): Benign (1 of 4 stars; one submission).

Allele frequency attached by ClinVar (database versions not stated): gnomAD 0.44353; TOPMed 0.46349; 1000 Genomes Project 30x 0.51546; 1000 Genomes Project 0.51777.

Submission:

GeneDx
Classification: Benign. Last evaluated: 2018-06-18. Review status: criteria provided, single submitter. Criteria: GeneDx Variant Classification (06012015). Collection method: clinical testing. Allele origin: germline. Affected: yes.
Comment: This variant is considered likely benign or benign based on one or more of the following criteria: it is a conservative change, it occurs at a poorly conserved position in the protein, it is predicted to be benign by multiple in silico algorithms, and/or has population frequency not consistent with disease.

NM_016169.4(SUFU):c.455-215_455-214insCATTT

Gene: SUFU (SUFU negative regulator of hedgehog signaling; plus strand). Cytogenetic location: 10q24.32.
Variant type: Insertion.
Coding change: c.455-215_455-214insCATTT on transcript NM_016169.4 (MANE Select); 215 bases into the intron before coding-DNA position 455 through 214 bases into the intron before coding-DNA position 455, CATTT inserted.
Molecular consequence: intron variant.
Genome position: GRCh38 VCF-style: chr10-102592367-C-CCATTT. GRCh37 (hg19) VCF-style: chr10-104352124-C-CCATTT.
Other names: c.455-215_455-214insCATTT (NM_001178133.2).
Identifiers: ClinVar variation 677132 (VCV000677132.1), dbSNP rs3839934, ClinGen allele CA212265481.